The following is an entry in ClinVar:

NM_024426.6(WT1):c.543_556del (p.Tyr182fs)

Genes: WT1 (WT1 transcription factor; minus strand), LOC107982234 (WT1/WT1-AS bi-directional promoter region; plus strand). Cytogenetic location: 11p13.
Variant type: Deletion.
Coding change: c.543_556del on transcript NM_024426.6 (MANE Select); coding-DNA positions 543 to 556, 14 bases deleted (CTACGGGCCCTTCG).
Protein change: p.Tyr182fs; shifts the reading frame from tyrosine 182.
Molecular consequence: frameshift variant. On other transcripts: non-coding transcript variant (1).
Genome position (GRCh38, 1-based): chr11:32,434,805-32,434,818, CGAAGGGCCCGTAG deleted on the plus strand (CTACGGGCCCTTCG on the coding strand, the reverse complement: WT1 is on the minus strand); deleting any 14 consecutive bases within chr11:32,434,805-32,434,821 gives the same sequence; the c. name uses the placement nearest the transcript's 3' end. VCF-style (leftmost placement, unchanged base first): chr11-32434804-CCGAAGGGCCCGTAG-C. GRCh37 (hg19) VCF-style: chr11-32456350-CCGAAGGGCCCGTAG-C.
Other names: c.543_556del, p.Tyr182fs (NM_000378.6, NM_024424.5); short protein forms Y182fs.
Identifiers: ClinVar variation 449859 (VCV000449859.2), dbSNP rs1554946460, ClinGen allele CA658658039.

ClinVar aggregate classification (germline): Pathogenic (1 of 4 stars; one submission).

Submission:

GeneDx
Classification: Pathogenic. Last evaluated: 2017-03-02. Review status: criteria provided, single submitter. Criteria: GeneDx Variant Classification (06012015). Collection method: clinical testing. Allele origin: germline. Affected: yes.
Comment: This deletion of 14 nucleotides in WT1 is denoted c.528_541del14 at the cDNA level and p.Tyr177SerfsX17 (Y177SfsX17) at the protein level. The surrounding sequence is GTCG[del14]GTCC. The deletion causes a frameshift which changes a Tyrosine to a Serine at codon 177, and creates a premature stop codon at position 17 of the new reading frame. Although this variant has not, to our knowledge, been reported in the literature, it is predicted to cause loss of normal protein function through either protein truncation or nonsense-mediated mRNA decay. We consider this variant to be pathogenic.